The following is an entry in ClinVar:

ClinVar aggregate classification (germline): Uncertain significance (1 of 4 stars; one submission).

Submission:

Labcorp Genetics (formerly Invitae), Labcorp
Classification: Uncertain significance. Last evaluated: 2023-07-25. Review status: criteria provided, single submitter. Criteria: Invitae Variant Classification Sherloc (09022015). Collection method: clinical testing. Allele origin: germline.
Comment: In summary, the available evidence is currently insufficient to determine the role of this variant in disease. Therefore, it has been classified as a Variant of Uncertain Significance. This variant has not been reported in the literature in individuals affected with USP7-related conditions. This variant is present in population databases (no rsID available, gnomAD 0.02%). This variant, c.25_30dup, results in the insertion of 2 amino acid(s) of the USP7 protein (p.Gln9_Gln10dup), but otherwise preserves the integrity of the reading frame.

NM_003470.3(USP7):c.10CAG[9] (p.Gln10_Lys11insGlnGln)

Genes: USP7 (ubiquitin specific peptidase 7; minus strand), USP7-AS1 (USP7 antisense RNA 1; plus strand). Cytogenetic location: 16p13.2.
Variant type: Microsatellite.
Coding change: c.10CAG[9] on transcript NM_003470.3 (MANE Select); nine copies in a row of the 3-base unit CAG starting at c.10; the reference has seven copies in a row; two copies, 6 bases duplicated.
Protein change: p.Gln10_Lys11insGlnGln.
Molecular consequence: inframe insertion.
Genome position (GRCh38, 1-based): chr16:8,963,256-8,963,261, CTGCTG duplicated on the plus strand (CAGCAG on the coding strand, the reverse complement: USP7 is on the minus strand); duplicating any 6 consecutive bases within chr16:8,963,256-8,963,276 gives the same sequence; the position shown is the placement nearest the transcript's 3' end. VCF-style (leftmost placement, unchanged base first): chr16-8963255-T-TCTGCTG. GRCh37 (hg19) VCF-style: chr16-9057112-T-TCTGCTG.
Identifiers: ClinVar variation 3019160 (VCV003019160.3), dbSNP rs749570604, ClinGen allele CA620754384.